The following is an entry in ClinVar:

NM_017617.5(NOTCH1):c.3193T>C (p.Ser1065Pro)

Gene: NOTCH1 (notch receptor 1; minus strand). Cytogenetic location: 9q34.3.
Variant type: single nucleotide variant.
Coding change: c.3193T>C on transcript NM_017617.5 (MANE Select); coding-DNA position 3193, T replaced by C.
Protein change: p.Ser1065Pro; replaces serine 1065 with proline.
Molecular consequence: missense variant.
Genome position (GRCh38, 1-based): chr9:136,508,364, A>G on the plus strand (T>C on the coding strand, the complement: NOTCH1 is on the minus strand). VCF-style: chr9-136508364-A-G. GRCh37 (hg19) VCF-style: chr9-139402816-A-G.
Other names: c.3193T>C (NM_017617.3); short protein forms S1065P.
Identifiers: ClinVar variation 3686748 (VCV003686748.3).

ClinVar aggregate classification (germline): Uncertain significance. Review status: criteria provided, multiple submitters, no conflicts (2 of 4 stars). 2 submissions from 2 submitters: Uncertain significance (2). Last evaluated 2025-10-11.

Conditions:
Adams-Oliver syndrome 5 (AOS5). Identifiers: Orphanet 974, MedGen C4014970, MONDO:0014459, OMIM 616028.
Familial thoracic aortic aneurysm and aortic dissection (TAAD). Also called: Thoracic aortic aneurysms and dissections. Identifiers: Orphanet 91387, MedGen C4707243, MONDO:0019625.

Submissions (2):

Ambry Genetics
Classification: Uncertain significance for Familial thoracic aortic aneurysm and aortic dissection. Last evaluated: 2025-10-11. Review status: criteria provided, single submitter. Criteria: Ambry Variant Classification Scheme 2023. Collection method: clinical testing. Allele origin: germline.
Comment: The p.S1065P variant (also known as c.3193T>C), located in coding exon 20 of the NOTCH1 gene, results from a T to C substitution at nucleotide position 3193. The serine at codon 1065 is replaced by proline, an amino acid with similar properties. This amino acid position is conserved. In addition, this alteration is predicted to be tolerated by in silico analysis. Based on the available evidence, the clinical significance of this variant remains unclear.

Labcorp Genetics (formerly Invitae), Labcorp
Classification: Uncertain significance for Adams-Oliver syndrome 5. Last evaluated: 2024-09-09. Review status: criteria provided, single submitter. Criteria: Invitae Variant Classification Sherloc (09022015). Collection method: clinical testing. Allele origin: germline.
Comment: This sequence change replaces serine, which is neutral and polar, with proline, which is neutral and non-polar, at codon 1065 of the NOTCH1 protein (p.Ser1065Pro). This variant is not present in population databases (gnomAD no frequency). This variant has not been reported in the literature in individuals affected with NOTCH1-related conditions. Invitae Evidence Modeling of protein sequence and biophysical properties (such as structural, functional, and spatial information, amino acid conservation, physicochemical variation, residue mobility, and thermodynamic stability) indicates that this missense variant is not expected to disrupt NOTCH1 protein function with a negative predictive value of 80%. In summary, the available evidence is currently insufficient to determine the role of this variant in disease. Therefore, it has been classified as a Variant of Uncertain Significance.